The following is an entry in ClinVar:

ClinVar aggregate classification (germline): Pathogenic (1 of 4 stars; one submission).

Conditions:
Usher syndrome type 1F (USH1F). Also called: USHER SYNDROME, TYPE IF. Identifiers: Orphanet 231169, Orphanet 886, MedGen C1865885, MONDO:0011186, OMIM 602083.

Submission:

Myriad Genetics, Inc.
Classification: Pathogenic for Usher syndrome type 1F. Last evaluated: 2023-08-30. Review status: criteria provided, single submitter. Criteria: Myriad Autosomal Dominant, Autosomal Recessive and X-Linked Classification Criteria (2023). Collection method: clinical testing. Allele origin: unknown.
Comment: NM_033056.3(PCDH15):c.2163_2164delGCinsA(P722Qfs*18) is expected to be pathogenic in the context of PCDH15-related disorders. This variant is predicted to lead to an abnormal or absent protein product due to the creation of a premature termination codon in PCDH15, a gene where loss-of-function variants are known to be pathogenic. Please note: this variant was assessed in the context of healthy population screening.

NM_001384140.1(PCDH15):c.2163_2164delinsA (p.Pro722fs)

Gene: PCDH15 (protocadherin related 15; minus strand). Cytogenetic location: 10q21.1.
Variant type: Indel.
Coding change: c.2163_2164delinsA on transcript NM_001384140.1 (MANE Select); coding-DNA positions 2163 to 2164, GC replaced by A.
Protein change: p.Pro722fs; shifts the reading frame from proline 722.
Molecular consequence: frameshift variant.
Genome position (GRCh38, 1-based): chr10:54,066,813-54,066,814, GC replaced by T on the plus strand (GC replaced by A on the coding strand, the reverse complement: PCDH15 is on the minus strand). VCF-style: chr10-54066813-GC-T. GRCh37 (hg19) VCF-style: chr10-55826573-GC-T.
Other names: c.2178_2179delinsA, p.Pro727fs (NM_001142763.2, NM_001142771.2); c.2163_2164delinsA, p.Pro722fs (NM_001142764.2, NM_001142766.2, NM_001142770.3 and 5 more transcripts); c.1950_1951delinsA, p.Pro651fs (NM_001142765.2); c.2052_2053delinsA, p.Pro685fs (NM_001142767.2); c.2097_2098delinsA, p.Pro700fs (NM_001142768.2, NM_001142773.2, NM_001354404.2); c.2199_2200delGCinsA, p.Pro734Glnfs (NM_001142769.4); c.2184_2185delinsA, p.Pro729fs (NM_001354411.2); short protein forms P651fs, P685fs, P700fs, P722fs, P727fs, P729fs, P734fs.
Identifiers: ClinVar variation 5011494 (VCV005011494.1).